The following is an entry in ClinVar:

ClinVar aggregate classification (germline): conflicting data from submitters (0 of 4 stars; one submission).

Submission:

ISCA site 4
Classification: conflicting data from submitters. Last evaluated: 2012-09-21. Review status: no assertion criteria provided. Collection method: clinical testing. Allele origin: unknown. Affected: yes. Observed: 12 variant alleles. Clinical features observed: Developmental delay AND/OR other significant developmental or morphological phenotypes, Pulmonary hypoplasia (HP:0002089), Hypoplastic left heart (HP:0004383), Abnormal heart morphology (HP:0001627), Abnormal facial shape (HP:0002260), Abnormality of head or neck (HP:0000152), Arthrogryposis multiplex congenita (HP:0002804), Global developmental delay (HP:0001263), Microcephaly (HP:0000252).
Comment: Pathogenic(1), Uncertain significance(1), Likely benign (1), Benign (9)

Copy number variation identified through the course of routine clinical cytogenomic testing in postnatal populations, with clinical assertions as classified by the original submitter. For data from the original published study, Kaminsky, et al. 2011 (PubMed 21844811), please see nstd101.

GRCh38/hg38 2q13(chr2:110104897-110207198)x3

Genes: MALL (mal, T cell differentiation protein like; minus strand), NPHP1 (nephrocystin 1; minus strand), LOC126806305 (BRD4-independent group 4 enhancer GRCh37_chr2:110863055-110864254; plus strand), LOC126806306 (P300/CBP strongly-dependent group 1 enhancer GRCh37_chr2:110906815-110908014; plus strand). Cytogenetic location: 2q13.
Variant type: copy number gain.
Change: copy number 3 (three copies instead of two) of chr2:110,104,897-110,207,198 (102.3 kb, GRCh38 coordinates, 1-based), cytogenetic band 2q13.
Identifiers: ClinVar variation 144557 (VCV000144557.3).